The following is an entry in ClinVar:

NM_019055.6(ROBO4):c.1146C>G (p.Tyr382Ter)

Gene: ROBO4 (roundabout guidance receptor 4; minus strand). Cytogenetic location: 11q24.2.
Variant type: single nucleotide variant.
Coding change: c.1146C>G on transcript NM_019055.6 (MANE Select); coding-DNA position 1146, C replaced by G.
Protein change: p.Tyr382Ter; replaces tyrosine 382 with a stop codon.
Molecular consequence: nonsense.
Genome position (GRCh38, 1-based): chr11:124,895,084, G>C on the plus strand (C>G on the coding strand, the complement: ROBO4 is on the minus strand). VCF-style: chr11-124895084-G-C. GRCh37 (hg19) VCF-style: chr11-124764980-G-C.
Other names: c.711C>G, p.Tyr237Ter (NM_001301088.2); short protein forms Y237*, Y382*.
Identifiers: ClinVar variation 1333606 (VCV001333606.1), dbSNP rs2135378156, ClinGen allele CA383171569.

ClinVar aggregate classification (germline): Likely pathogenic (1 of 4 stars; one submission).

Conditions:
Aortic valve disease 3. Identifiers: MedGen C5193127, MONDO:0032783, OMIM 618496.

Submission:

3billion
Classification: Likely pathogenic for Aortic valve disease 3. Last evaluated: 2022-01-03. Review status: criteria provided, single submitter. Criteria: ACMG Guidelines, 2015. Collection method: clinical testing. Allele origin: germline. Affected: yes. Observed: 1 heterozygote.
Comment: Stop-gained (nonsense): predicted to result in a loss or disruption of normal protein function through nonsense-mediated decay (NMD) or protein truncation. Multiple pathogenic variants are reported downstream of the variant (PVS1_VS). It is not observed in the gnomAD v2.1.1 dataset (PM2_M). Therefore, this variant is classified as likely pathogenic according to the recommendation of ACMG/AMP guideline.